The following is an entry in ClinVar:

NM_000211.5(ITGB2):c.2078G>A (p.Arg693Gln)

Gene: ITGB2 (integrin subunit beta 2; minus strand). Cytogenetic location: 21q22.3.
Variant type: single nucleotide variant.
Coding change: c.2078G>A on transcript NM_000211.5 (MANE Select); coding-DNA position 2078, G replaced by A.
Protein change: p.Arg693Gln; replaces arginine 693 with glutamine.
Molecular consequence: missense variant.
Genome position (GRCh38, 1-based): chr21:44,888,695, C>T on the plus strand (G>A on the coding strand, the complement: ITGB2 is on the minus strand). VCF-style: chr21-44888695-C-T. GRCh37 (hg19) VCF-style: chr21-46308610-C-T.
Other names: c.2078G>A (LRG_76t1); c.2078G>A, p.Arg693Gln (NM_001127491.3); c.1871G>A, p.Arg624Gln (NM_001303238.2); short protein forms R693Q, R624Q.
Identifiers: ClinVar variation 340140 (VCV000340140.13), dbSNP rs200335681, ClinGen allele CA10062593.

ClinVar aggregate classification (germline): Uncertain significance. Review status: criteria provided, multiple submitters, no conflicts (2 of 4 stars). 3 submissions from 3 submitters: Uncertain significance (3). Last evaluated 2024-11-27.

Conditions:
Leukocyte adhesion deficiency 1 (LAD1). Also called: LEUKOCYTE ADHESION DEFICIENCY, TYPE I; LAD 1; Lymphocyte function-associated antigen 1 immunodeficiency; LFA 1 immunodeficiency. Identifiers: Orphanet 2968, Orphanet 99842, MedGen C0398738, MONDO:0007293, OMIM 116920.

Allele frequency attached by ClinVar (database versions not stated): gnomAD 0.00003; TOPMed 0.00010; 1000 Genomes Project 30x 0.00016; 1000 Genomes Project 0.00020.
gnomAD v4.1: 119 of 1,607,680 alleles (0.0074%); highest among the groups gnomAD compares: Admixed American, 0.027%; no homozygotes.

Submissions (3):

Blueprint Genetics
Classification: Uncertain significance. Last evaluated: 2024-11-27. Review status: criteria provided, single submitter. Criteria: ACMG Guidelines, 2015. Collection method: clinical testing. Allele origin: germline.

Labcorp Genetics (formerly Invitae), Labcorp
Classification: Uncertain significance for Leukocyte adhesion deficiency 1. Last evaluated: 2022-05-19. Review status: criteria provided, single submitter. Criteria: Invitae Variant Classification Sherloc (09022015). Collection method: clinical testing. Allele origin: germline.
Comment: This sequence change replaces arginine, which is basic and polar, with glutamine, which is neutral and polar, at codon 693 of the ITGB2 protein (p.Arg693Gln). This variant is present in population databases (rs200335681, gnomAD 0.03%). This variant has not been reported in the literature in individuals affected with ITGB2-related conditions. ClinVar contains an entry for this variant (Variation ID: 340140). Algorithms developed to predict the effect of missense changes on protein structure and function (SIFT, PolyPhen-2, Align-GVGD) all suggest that this variant is likely to be tolerated. In summary, the available evidence is currently insufficient to determine the role of this variant in disease. Therefore, it has been classified as a Variant of Uncertain Significance.

Illumina Laboratory Services, Illumina
Classification: Uncertain significance for Leukocyte adhesion deficiency 1. Last evaluated: 2018-01-13. Review status: criteria provided, single submitter. Criteria: ICSL Variant Classification Criteria 13 December 2019. Collection method: clinical testing. Allele origin: germline.